The following is an entry in ClinVar:

NM_173483.4(CYP4F22):c.1012G>A (p.Asp338Asn)

Gene: CYP4F22 (cytochrome P450 family 4 subfamily F member 22; plus strand). Cytogenetic location: 19p13.12.
Variant type: single nucleotide variant.
Coding change: c.1012G>A on transcript NM_173483.4 (MANE Select); coding-DNA position 1012, G replaced by A.
Protein change: p.Asp338Asn; replaces aspartic acid 338 with asparagine.
Molecular consequence: missense variant.
Genome position (GRCh38, 1-based): chr19:15,544,155, G>A. VCF-style: chr19-15544155-G-A. GRCh37 (hg19) VCF-style: chr19-15654966-G-A.
Other names: c.1012G>A (NM_173483.3); short protein forms D338N.
Identifiers: ClinVar variation 3674966 (VCV003674966.3).

ClinVar aggregate classification (germline): Uncertain significance. Review status: criteria provided, multiple submitters, no conflicts (2 of 4 stars). 2 submissions from 2 submitters: Uncertain significance (2). Last evaluated 2025-11-12.

Conditions:
Inborn genetic diseases. Identifiers: MedGen C0950123, MeSH D030342.

gnomAD v4.1: 7 of 1,614,022 alleles (0.00043%); highest among the groups gnomAD compares: Admixed American, 0.0017%; no homozygotes.

Submissions (2):

Ambry Genetics
Classification: Uncertain significance for Inborn genetic diseases. Last evaluated: 2025-11-12. Review status: criteria provided, single submitter. Criteria: Ambry Variant Classification Scheme 2023. Collection method: clinical testing. Allele origin: germline.

Labcorp Genetics (formerly Invitae), Labcorp
Classification: Uncertain significance. Last evaluated: 2024-10-23. Review status: criteria provided, single submitter. Criteria: Invitae Variant Classification Sherloc (09022015). Collection method: clinical testing. Allele origin: germline.
Comment: This sequence change replaces aspartic acid, which is acidic and polar, with asparagine, which is neutral and polar, at codon 338 of the CYP4F22 protein (p.Asp338Asn). This variant is present in population databases (rs774309866, gnomAD 0.004%). This variant has not been reported in the literature in individuals affected with CYP4F22-related conditions. Invitae Evidence Modeling of protein sequence and biophysical properties (such as structural, functional, and spatial information, amino acid conservation, physicochemical variation, residue mobility, and thermodynamic stability) has been performed for this missense variant. However, the output from this modeling did not meet the statistical confidence thresholds required to predict the impact of this variant on CYP4F22 protein function. In summary, the available evidence is currently insufficient to determine the role of this variant in disease. Therefore, it has been classified as a Variant of Uncertain Significance.